The following is an entry in ClinVar:

NM_001374736.1(DST):c.16065A>G (p.Gln5355=)

Gene: DST (dystonin; minus strand). Cytogenetic location: 6p12.1.
Variant type: single nucleotide variant.
Coding change: c.16065A>G on transcript NM_001374736.1 (MANE Select); coding-DNA position 16065, A replaced by G.
Protein change: p.Gln5355=; no amino-acid change (glutamine 5355 retained).
Molecular consequence: synonymous variant.
Genome position (GRCh38, 1-based): chr6:56,552,727, T>C on the plus strand (A>G on the coding strand, the complement: DST is on the minus strand). VCF-style: chr6-56552727-T-C. GRCh37 (hg19) VCF-style: chr6-56417525-T-C.
Other names: c.9708A>G (NM_001144769.2); c.9708A>G, p.Gln3236= (NM_001144769.5); c.9294A>G, p.Gln3098= (NM_001144770.2); c.16065A>G, p.Gln5355= (NM_001374722.1); c.15432A>G, p.Gln5144= (NM_001374729.1); c.9174A>G, p.Gln3058= (NM_001374730.1, NM_001386100.1, NM_183380.4); c.16092A>G, p.Gln5364= (NM_001374734.1); c.8196A>G, p.Gln2732= (NM_015548.5).
Identifiers: ClinVar variation 1134437 (VCV001134437.10), dbSNP rs200707935, ClinGen allele CA3867727.

ClinVar aggregate classification (germline): Likely benign. Review status: criteria provided, multiple submitters, no conflicts (2 of 4 stars). 2 submissions from 2 submitters: Likely benign (2). Last evaluated 2025-11-01.

Conditions:
DST-related disorder. Also called: DST-related condition; DST-related disorders.
Epidermolysis bullosa simplex 3, localized or generalized intermediate, with BP230 deficiency (EBS3). Also called: Epidermolysis bullosa simplex, autosomal recessive 2; Epidermolysis bullosa simplex due to BP230 deficiency. Identifiers: Orphanet 412181, MedGen C3809470, MONDO:0014180, OMIM 615425.
Hereditary sensory and autonomic neuropathy type 6. Also called: Neuropathy, hereditary sensory and autonomic, type VI; HSAN VI. Identifiers: Orphanet 314381, MedGen C3539003, MONDO:0013839, OMIM 614653.

Allele frequency attached by ClinVar (database versions not stated): gnomAD exomes 0.00002 and 0.00007; ExAC 0.00008; 1000 Genomes Project 30x 0.00016; 1000 Genomes Project 0.00020; ESP Exome Variant Server 0.00033; TOPMed 0.00033; gnomAD 0.00041 and 0.00045.
gnomAD v4.1: 101 of 1,612,230 alleles (0.0063%); highest among the groups gnomAD compares: African/African-American, 0.12%; no homozygotes.

Submissions (2):

Labcorp Genetics (formerly Invitae), Labcorp
Classification: Likely benign for Epidermolysis bullosa simplex 3, localized or generalized intermediate, with BP230 deficiency; Hereditary sensory and autonomic neuropathy type 6. Last evaluated: 2025-11-01. Review status: criteria provided, single submitter. Criteria: Invitae Variant Classification Sherloc (09022015). Collection method: clinical testing. Allele origin: germline.

PreventionGenetics, part of Exact Sciences
Classification: Likely benign for DST-related condition. Last evaluated: 2024-10-27. Review status: criteria provided, single submitter. Criteria: ACMG Guidelines, 2015. Collection method: clinical testing. Allele origin: germline.
Comment: This variant is classified as likely benign based on ACMG/AMP sequence variant interpretation guidelines (Richards et al. 2015 PMID: 25741868, with internal and published modifications).